The following is an entry in ClinVar:

NM_020975.6(RET):c.1886T>C (p.Leu629Pro)

Gene: RET (ret proto-oncogene; plus strand). Cytogenetic location: 10q11.21.
Variant type: single nucleotide variant.
Coding change: c.1886T>C on transcript NM_020975.6 (MANE Select); coding-DNA position 1886, T replaced by C.
Protein change: p.Leu629Pro; replaces leucine 629 with proline.
Molecular consequence: missense variant.
Genome position (GRCh38, 1-based): chr10:43,114,486, T>C. VCF-style: chr10-43114486-T-C. GRCh37 (hg19) VCF-style: chr10-43609934-T-C.
Other names: c.989T>C, p.Leu330Pro (NM_001406781.1, NM_001406782.1, NM_001406779.1 and 1 more transcripts); c.860T>C, p.Leu287Pro (NM_001406783.1, NM_001406786.1); c.896T>C, p.Leu299Pro (NM_001406784.1); c.869T>C, p.Leu290Pro (NM_001406785.1); c.701T>C, p.Leu234Pro (NM_001406788.1, NM_001406789.1, NM_001406790.1); c.581T>C, p.Leu194Pro (NM_001406791.1); c.437T>C, p.Leu146Pro (NM_001406792.1, NM_001406793.1, NM_001406794.1); c.1886T>C, p.Leu629Pro (NM_020629.2, NM_020630.7, NM_000323.2 and 4 more transcripts); and 7 more; short protein forms L375P, L629P, L290P, L483P, L586P, L146P, L194P, L287P.
Identifiers: ClinVar variation 972018 (VCV000972018.10), dbSNP rs1838016977, ClinGen allele CA376552894.
Genomic context (GRCh38, chr10:43,114,486, plus strand): 5'-CCAGTGGTGCCGAGCCTCTGGCGGTGCCAAGCCTCACACCACCCCCACCCACAGATCCAC[T>C]GTGCGACGAGCTGTGCCGCACGGTGATCGCAGCCGCTGTCCTCTTCTCCTTCATCGTCTC-3'
Protein context (NP_066124.1, residues 619-639): FCEPEDIQDP[Leu629Pro]CDELCRTVIA

ClinVar aggregate classification (germline): Uncertain significance (1 of 4 stars; one submission).

Conditions:
Multiple endocrine neoplasia, type 2 (MEN2). Identifiers: Orphanet 653, MedGen C4048306, MONDO:0019003. Disease mechanism: gain of function.

gnomAD v4.1: 1 of 1,606,592 alleles (0.000062%); highest among the groups gnomAD compares: Non-Finnish European, 0.000085%; no homozygotes.

Submission:

Labcorp Genetics (formerly Invitae), Labcorp
Classification: Uncertain significance for Multiple endocrine neoplasia, type 2. Last evaluated: 2025-01-23. Review status: criteria provided, single submitter. Criteria: Invitae Variant Classification Sherloc (09022015). Collection method: clinical testing. Allele origin: germline.
Comment: This sequence change replaces leucine, which is neutral and non-polar, with proline, which is neutral and non-polar, at codon 629 of the RET protein (p.Leu629Pro). This variant is not present in population databases (gnomAD no frequency). This variant has not been reported in the literature in individuals affected with RET-related conditions. ClinVar contains an entry for this variant (Variation ID: 972018). An algorithm developed to predict the effect of missense changes on protein structure and function (PolyPhen-2) suggests that this variant is likely to be disruptive. In summary, the available evidence is currently insufficient to determine the role of this variant in disease. Therefore, it has been classified as a Variant of Uncertain Significance.